The following is an entry in ClinVar:

NM_145239.3(PRRT2):c.910G>A (p.Asp304Asn)

Genes: MVP-DT (MVP divergent transcript; minus strand), PRRT2 (proline rich transmembrane protein 2; plus strand). Cytogenetic location: 16p11.2.
Variant type: single nucleotide variant.
Coding change: c.910G>A on transcript NM_145239.3 (MANE Select); coding-DNA position 910, G replaced by A.
Protein change: p.Asp304Asn; replaces aspartic acid 304 with asparagine.
Molecular consequence: missense variant. On other transcripts: 3 prime UTR variant (1).
Genome position (GRCh38, 1-based): chr16:29,814,363, G>A. VCF-style: chr16-29814363-G-A. GRCh37 (hg19) VCF-style: chr16-29825684-G-A.
Other names: c.910G>A, p.Asp304Asn (NM_001256442.2); c.*409G>A (NM_001256443.2); short protein forms D304N.
Identifiers: ClinVar variation 932118 (VCV000932118.3), dbSNP rs1900136723, ClinGen allele CA395480556.
Genomic context (GRCh38, chr16:29,814,363, plus strand): 5'-ATGTGCCTCCACCCCTCGCCCTAACCCCAGTCCCGGAACAGCCTGCAGCAGGGGGACGTG[G>A]ACGGGGCCCAGCGTCTGGGCCGGGTAGCCAAGCTCTTAAGCATCGTGGCGCTGGTGGGGG-3'
Protein context (NP_660282.2, residues 294-314): SRNSLQQGDV[Asp304Asn]GAQRLGRVAK

ClinVar aggregate classification (germline): Uncertain significance (1 of 4 stars; one submission).

Conditions:
Infantile convulsions and choreoathetosis (ICCA). Also called: PAROXYSMAL KINESIGENIC DYSKINESIA WITH INFANTILE CONVULSIONS; PRRT2-Related Paroxysmal Kinesigenic Dyskinesia with Infantile Convulsions (PKD/IC). Identifiers: Orphanet 31709, MedGen C1865926, MONDO:0011178, OMIM 602066.

Submission:

Centre for Mendelian Genomics, University Medical Centre Ljubljana
Classification: Uncertain significance for Infantile convulsions and choreoathetosis. Last evaluated: 2016-01-01. Review status: criteria provided, single submitter. Criteria: ACMG Guidelines, 2015. Collection method: clinical testing. Allele origin: unknown. Affected: yes.
Comment: This variant was classified as: Uncertain significance. This variant was detected in homozygous state.